The following is an entry in ClinVar:

ClinVar aggregate classification (germline): Likely benign. Review status: criteria provided, single submitter (1 of 4 stars). 2 submissions from 2 submitters: Likely benign (1). 1 of the submissions does not count toward it. Last evaluated 2025-04-24.

Conditions:
PHIP-related disorder. Also called: PHIP-related condition; PHIP-related disorders.

gnomAD v4.1: 32 of 1,529,494 alleles (0.0021%); highest among the groups gnomAD compares: African/African-American, 0.011%; no homozygotes.

Submissions (2):

Labcorp Genetics (formerly Invitae), Labcorp
Classification: Likely benign. Last evaluated: 2025-04-24. Review status: criteria provided, single submitter. Criteria: Invitae Variant Classification Sherloc (09022015). Collection method: clinical testing. Allele origin: germline.

PreventionGenetics, part of Exact Sciences
Classification: Likely benign for PHIP-related condition. Last evaluated: 2024-08-21. Review status: no assertion criteria provided. Collection method: clinical testing. Allele origin: germline. Not counted in ClinVar's aggregate classification.
Comment: This variant is classified as likely benign based on ACMG/AMP sequence variant interpretation guidelines (Richards et al. 2015 PMID: 25741868, with internal and published modifications).

NM_017934.7(PHIP):c.2997+9T>C

Genes: IRAK1BP1 (interleukin 1 receptor associated kinase 1 binding protein 1; plus strand), PHIP (PHIP subunit of CUL4-Ring ligase complex; minus strand). Cytogenetic location: 6q14.1.
Variant type: single nucleotide variant.
Coding change: c.2997+9T>C on transcript NM_017934.7 (MANE Select); 9 bases into the intron after coding-DNA position 2997, T replaced by C.
Molecular consequence: intron variant.
Genome position (GRCh38, 1-based): chr6:78,970,772, A>G on the plus strand (T>C on the coding strand, the complement: PHIP is on the minus strand). VCF-style: chr6-78970772-A-G. GRCh37 (hg19) VCF-style: chr6-79680489-A-G.
Identifiers: ClinVar variation 3353764 (VCV003353764.2).